The following is an entry in ClinVar:

NM_001379659.1(ZNF142):c.4696C>T (p.Arg1566Ter)

Gene: ZNF142 (zinc finger protein 142; minus strand). Cytogenetic location: 2q35.
Variant type: single nucleotide variant.
Coding change: c.4696C>T on transcript NM_001379659.1 (MANE Select); coding-DNA position 4696, C replaced by T.
Protein change: p.Arg1566Ter; replaces arginine 1566 with a stop codon.
Molecular consequence: nonsense.
Genome position (GRCh38, 1-based): chr2:218,642,420, G>A on the plus strand (C>T on the coding strand, the complement: ZNF142 is on the minus strand). VCF-style: chr2-218642420-G-A. GRCh37 (hg19) VCF-style: chr2-219507143-G-A.
Other names: c.4096C>T, p.Arg1366Ter (NM_001105537.5, NM_001366291.3, NM_001379662.1); c.3607C>T, p.Arg1203Ter (NM_001366287.3, NM_001366288.3, NM_001366289.3); c.4696C>T, p.Arg1566Ter (NM_001366290.3, NM_001379660.1, NM_001379661.1); short protein forms R1203*, R1366*, R1566*.
Identifiers: ClinVar variation 3369784 (VCV003369784.1).

ClinVar aggregate classification (germline): Uncertain significance (1 of 4 stars; one submission).

gnomAD v4.1: 49 of 1,612,860 alleles (0.003%); highest among the groups gnomAD compares: African/African-American, 0.004%; no homozygotes.

Submission:

GeneDx
Classification: Uncertain significance. Last evaluated: 2024-03-02. Review status: criteria provided, single submitter. Criteria: GeneDx Variant Classification Process June 2021. Collection method: clinical testing. Allele origin: germline. Affected: yes.
Comment: Nonsense variant predicted to result in protein truncation or nonsense mediated decay in a gene for which loss of function is a known mechanism of disease; Has not been previously published as pathogenic or benign to our knowledge